The following is an entry in ClinVar:

NM_003998.4(NFKB1):c.481G>A (p.Ala161Thr)

Gene: NFKB1 (nuclear factor kappa B subunit 1; plus strand). Cytogenetic location: 4q24.
Variant type: single nucleotide variant.
Coding change: c.481G>A on transcript NM_003998.4 (MANE Select); coding-DNA position 481, G replaced by A.
Protein change: p.Ala161Thr; replaces alanine 161 with threonine.
Molecular consequence: missense variant.
Genome position (GRCh38, 1-based): chr4:102,576,949, G>A. VCF-style: chr4-102576949-G-A. GRCh37 (hg19) VCF-style: chr4-103498106-G-A.
Other names: c.478G>A, p.Ala160Thr (NM_001165412.2, NM_001319226.2, NM_001382627.1); c.481G>A, p.Ala161Thr (NM_001382625.1, NM_001382626.1); c.439G>A, p.Ala147Thr (NM_001382628.1); short protein forms A161T, A147T, A160T.
Identifiers: ClinVar variation 1919832 (VCV001919832.5), dbSNP rs1233818072, ClinGen allele CA357959203.

ClinVar aggregate classification (germline): Uncertain significance (1 of 4 stars; one submission).

Allele frequency attached by ClinVar (database versions not stated): gnomAD 0.00001; TOPMed 0.00003.
gnomAD v4.1: 3 of 1,613,802 alleles (0.00019%); highest among the groups gnomAD compares: Admixed American, 0.0017%; no homozygotes.

Submission:

Labcorp Genetics (formerly Invitae), Labcorp
Classification: Uncertain significance. Last evaluated: 2023-07-10. Review status: criteria provided, single submitter. Criteria: Invitae Variant Classification Sherloc (09022015). Collection method: clinical testing. Allele origin: germline.
Comment: This variant has not been reported in the literature in individuals affected with NFKB1-related conditions. In summary, the available evidence is currently insufficient to determine the role of this variant in disease. Therefore, it has been classified as a Variant of Uncertain Significance. Advanced modeling of protein sequence and biophysical properties (such as structural, functional, and spatial information, amino acid conservation, physicochemical variation, residue mobility, and thermodynamic stability) performed at Invitae indicates that this missense variant is expected to disrupt NFKB1 protein function. ClinVar contains an entry for this variant (Variation ID: 1919832). This variant is not present in population databases (gnomAD no frequency). This sequence change replaces alanine, which is neutral and non-polar, with threonine, which is neutral and polar, at codon 161 of the NFKB1 protein (p.Ala161Thr).